The following is an entry in ClinVar:

NM_001620.3(AHNAK):c.12915A>G (p.Val4305=)

Gene: AHNAK (AHNAK nucleoprotein; minus strand). Cytogenetic location: 11q12.3.
Variant type: single nucleotide variant.
Coding change: c.12915A>G on transcript NM_001620.3 (MANE Select); coding-DNA position 12915, A replaced by G.
Protein change: p.Val4305=; no amino-acid change (valine 4305 retained).
Molecular consequence: synonymous variant. On other transcripts: intron variant (1).
Genome position (GRCh38, 1-based): chr11:62,521,502, T>C on the plus strand (A>G on the coding strand, the complement: AHNAK is on the minus strand). VCF-style: chr11-62521502-T-C. GRCh37 (hg19) VCF-style: chr11-62288974-T-C.
Other names: c.12915A>G, p.Val4305= (NM_001346445.2, NM_001346446.2); c.342+13501A>G (NM_024060.4).
Identifiers: ClinVar variation 2641860 (VCV002641860.24), dbSNP rs1159198584, ClinGen allele CA475119055.

ClinVar aggregate classification (germline): Likely benign (1 of 4 stars; one submission).

Submission:

CeGaT Center for Human Genetics Tuebingen
Classification: Likely benign. Last evaluated: 2023-03-01. Review status: criteria provided, single submitter. Criteria: CeGaT Center For Human Genetics Tuebingen Variant Classification Criteria Version 2. Collection method: clinical testing. Allele origin: germline. Affected: yes. Observed: 1 variant allele.
Comment: AHNAK: BP4, BP7